The following is an entry in ClinVar:

NM_000362.5(TIMP3):c.*1958T>C

Genes: SYN3 (synapsin III; minus strand), TIMP3 (TIMP metallopeptidase inhibitor 3; plus strand). Cytogenetic location: 22q12.3.
Variant type: single nucleotide variant.
Coding change: c.*1958T>C on transcript NM_000362.5 (MANE Select); 1958 bases downstream of the stop codon, T replaced by C.
Molecular consequence: 3 prime UTR variant. On other transcripts: intron variant (7).
Genome position (GRCh38, 1-based): chr22:32,861,335, T>C. VCF-style: chr22-32861335-T-C. GRCh37 (hg19) VCF-style: chr22-33257322-T-C.
Other names: c.708+3580A>G (NM_001369909.1, NM_001135774.2, NM_001369910.1); c.711+3580A>G (NM_001369907.1, NM_003490.4, NM_001369908.1 and 1 more transcripts).
Identifiers: ClinVar variation 341377 (VCV000341377.6), dbSNP rs1427384, ClinGen allele CA10653417.

ClinVar aggregate classification (germline): Benign. Review status: criteria provided, multiple submitters, no conflicts (2 of 4 stars). 2 submissions from 2 submitters: Benign (2). Last evaluated 2018-01-12.

Conditions:
Sorsby fundus dystrophy (SFD). Also called: MACULAR DYSTROPHY, HEMORRHAGIC; Sorsby fundus dystrophy, Lavia type; FUNDUS DYSTROPHY, PSEUDOINFLAMMATORY, OF SORSBY. Identifiers: Orphanet 59181, MedGen C1850938, MONDO:0007640, OMIM 136900.

Allele frequency attached by ClinVar (database versions not stated): gnomAD exomes 0.23529; 1000 Genomes Project 30x 0.24157; 1000 Genomes Project 0.24181; TOPMed 0.29318; gnomAD 0.29560.
gnomAD v4.1: 44,145 of 152,240 alleles (29%); highest among the groups gnomAD compares: African/African-American, 37%; 6,722 homozygotes.

Submissions (2):

Illumina Laboratory Services, Illumina
Classification: Benign for Sorsby fundus dystrophy. Last evaluated: 2018-01-12. Review status: criteria provided, single submitter. Criteria: ICSL Variant Classification Criteria 13 December 2019. Collection method: clinical testing. Allele origin: germline.
Comment: This variant was observed in the ICSL laboratory as part of a predisposition screen in an ostensibly healthy population. It had not been previously curated by ICSL or reported in the Human Gene Mutation Database (HGMD: prior to June 1st, 2018), and was therefore a candidate for classification through an automated scoring system. Utilizing variant allele frequency, disease prevalence and penetrance estimates, and inheritance mode, an automated score was calculated to assess if this variant is too frequent to cause the disease. Based on the score and internal cut-off values, a variant classified as benign is not then subjected to further curation. The score for this variant resulted in a classification of benign for this disease.

Breakthrough Genomics
Classification: Benign. Review status: criteria provided, single submitter. Criteria: ACMG Guidelines, 2015. Collection method: not provided. Allele origin: germline. Inheritance: Autosomal dominant inheritance. Affected: yes.